The following is an entry in ClinVar:

NM_198098.4(AQP1):c.65C>A (p.Thr22Asn)

Gene: AQP1 (aquaporin 1 (Colton blood group); plus strand). Cytogenetic location: 7p14.3.
Variant type: single nucleotide variant.
Coding change: c.65C>A on transcript NM_198098.4 (MANE Select); coding-DNA position 65, C replaced by A.
Protein change: p.Thr22Asn; replaces threonine 22 with asparagine.
Molecular consequence: missense variant.
Genome position (GRCh38, 1-based): chr7:30,911,974, C>A. VCF-style: chr7-30911974-C-A. GRCh37 (hg19) VCF-style: chr7-30951589-C-A.
Other names: c.65C>A, p.Thr22Asn (NM_001329872.2); short protein forms T22N.
Identifiers: ClinVar variation 1355897 (VCV001355897.8), dbSNP rs1393593188, ClinGen allele CA367147464.

ClinVar aggregate classification (germline): Uncertain significance (1 of 4 stars; one submission).

Allele frequency attached by ClinVar (database versions not stated): gnomAD exomes below 0.00001.

Submission:

Labcorp Genetics (formerly Invitae), Labcorp
Classification: Uncertain significance. Last evaluated: 2021-07-25. Review status: criteria provided, single submitter. Criteria: Invitae Variant Classification Sherloc (09022015). Collection method: clinical testing. Allele origin: germline.
Comment: In summary, the available evidence is currently insufficient to determine the role of this variant in disease. Therefore, it has been classified as a Variant of Uncertain Significance. Algorithms developed to predict the effect of missense changes on protein structure and function are either unavailable or do not agree on the potential impact of this missense change (SIFT: "Not Available"; PolyPhen-2: "Benign"; Align-GVGD: "Not Available"). This variant has not been reported in the literature in individuals affected with AQP1-related conditions. This variant is not present in population databases (ExAC no frequency). This sequence change replaces threonine with asparagine at codon 22 of the AQP1 protein (p.Thr22Asn). The threonine residue is weakly conserved and there is a small physicochemical difference between threonine and asparagine.